The following is an entry in ClinVar:

ClinVar aggregate classification (germline): Uncertain significance. Review status: criteria provided, multiple submitters, no conflicts (2 of 4 stars). 2 submissions from 2 submitters: Uncertain significance (2). Last evaluated 2025-09-28.

Conditions:
DNA ligase IV deficiency. Identifiers: Orphanet 99812, MedGen C1847827, MONDO:0011686, OMIM 606593.

gnomAD v4.1: 13 of 1,613,990 alleles (0.00081%); highest among the groups gnomAD compares: South Asian, 0.0044%; no homozygotes.

Submissions (2):

Labcorp Genetics (formerly Invitae), Labcorp
Classification: Uncertain significance for DNA ligase IV deficiency. Last evaluated: 2025-09-28. Review status: criteria provided, single submitter. Criteria: Invitae Variant Classification Sherloc (09022015). Collection method: clinical testing. Allele origin: germline.
Comment: This sequence change replaces glutamine, which is neutral and polar, with leucine, which is neutral and non-polar, at codon 177 of the LIG4 protein (p.Gln177Leu). This variant is present in population databases (rs763320935, gnomAD 0.01%). This variant has not been reported in the literature in individuals affected with LIG4-related conditions. Invitae Evidence Modeling of protein sequence and biophysical properties (such as structural, functional, and spatial information, amino acid conservation, physicochemical variation, residue mobility, and thermodynamic stability) has been performed for this missense variant. However, the output from this modeling did not meet the statistical confidence thresholds required to predict the impact of this variant on LIG4 protein function. In summary, the available evidence is currently insufficient to determine the role of this variant in disease. Therefore, it has been classified as a Variant of Uncertain Significance.

Mayo Clinic Laboratories, Mayo Clinic
Classification: Uncertain significance. Last evaluated: 2025-05-19. Review status: criteria provided, single submitter. Criteria: ACMG Guidelines, 2015. Collection method: clinical testing. Allele origin: germline. Observed: 1 variant allele.
Comment: BP4_moderate

NM_206937.2(LIG4):c.530A>T (p.Gln177Leu)

Gene: LIG4 (DNA ligase 4; minus strand). Cytogenetic location: 13q33.3.
Variant type: single nucleotide variant.
Coding change: c.530A>T on transcript NM_206937.2 (MANE Select); coding-DNA position 530, A replaced by T.
Protein change: p.Gln177Leu; replaces glutamine 177 with leucine.
Molecular consequence: missense variant.
Genome position (GRCh38, 1-based): chr13:108,210,739, T>A on the plus strand (A>T on the coding strand, the complement: LIG4 is on the minus strand). VCF-style: chr13-108210739-T-A. GRCh37 (hg19) VCF-style: chr13-108863087-T-A.
Other names: p.Gln177Leu; c.530A>T, p.Gln177Leu (NM_001098268.2, NM_001352598.2, NM_001352599.2 and 6 more transcripts); c.329A>T, p.Gln110Leu (NM_001330595.2); c.566A>T, p.Gln189Leu (NM_001352604.2); short protein forms Q177L, Q189L, Q110L.
Identifiers: ClinVar variation 4541802 (VCV004541802.2).